The following is an entry in ClinVar:

NM_001127217.3(SMAD9):c.-186-7998T>C

Gene: SMAD9 (SMAD family member 9; minus strand). Cytogenetic location: 13q13.3.
Variant type: single nucleotide variant.
Coding change: c.-186-7998T>C on transcript NM_001127217.3 (MANE Select); 7998 bases into the intron before 186 bases upstream of the start codon, T replaced by C.
Molecular consequence: intron variant.
Genome position (GRCh38, 1-based): chr13:36,887,873, A>G on the plus strand (T>C on the coding strand, the complement: SMAD9 is on the minus strand). VCF-style: chr13-36887873-A-G. GRCh37 (hg19) VCF-style: chr13-37462010-A-G.
Other names: c.-186-7998T>C (NM_005905.6, NM_001378621.1).
Identifiers: ClinVar variation 996154 (VCV000996154.2), dbSNP rs7333607, ClinGen allele CA13857507.

ClinVar aggregate classification (germline): confers sensitivity (1 of 4 stars; one submission).

Conditions:
Lung cancer. Also called: Lung cancer, somatic; Malignant tumor of lung. Identifiers: MedGen C0242379, MONDO:0008903, OMIM 211980.

Allele frequency attached by ClinVar (database versions not stated): 1000 Genomes Project 0.20068; 1000 Genomes Project 30x 0.20706; TOPMed 0.22716; gnomAD 0.23463 and 0.23883.
gnomAD v4.1: 35,516 of 152,076 alleles (23%); highest among the groups gnomAD compares: African/African-American, 27%; 4,309 homozygotes.

Submission:

Kong Lab, Department of Radiation Oncology, Case Western Reserve University School of Medicine
Classification: confers sensitivity for Lung Cancer. Last evaluated: 2012-05-01. Review status: criteria provided, single submitter. Criteria: Jin JY et al. (Radiother Oncol 2015). Collection method: research. Allele origin: germline. Affected: yes. Observed: 7 variant alleles.
Comment: Improve the prediction accuracy for overal survival in non-small cell lung cancer patients

Literature cited by the submitters: PubMed 21515830; PubMed 24465803.